The following is an entry in ClinVar:

ClinVar aggregate classification (germline): Benign. Review status: criteria provided, multiple submitters, no conflicts (2 of 4 stars). 7 submissions from 7 submitters: Benign (6). 1 of the submissions does not count toward it. Last evaluated 2026-02-04.

Conditions:
Combined deficiency of sialidase AND beta galactosidase (GSL). Also called: PPCA DEFICIENCY; PROTECTIVE PROTEIN/CATHEPSIN A DEFICIENCY; CATHEPSIN A DEFICIENCY; Galactosialidosis; GOLDBERG SYNDROME; NEURAMINIDASE DEFICIENCY WITH BETA-GALACTOSIDASE DEFICIENCY. Identifiers: Orphanet 351, MedGen C0268233, MONDO:0009737, OMIM 256540.

Allele frequency attached by ClinVar (database versions not stated): ESP Exome Variant Server 0.63494; gnomAD exomes 0.64622 and 0.66437; gnomAD 0.65493 and 0.65689; TOPMed 0.65597; ExAC 0.66018; 1000 Genomes Project 30x 0.67739; 1000 Genomes Project 0.67831.
gnomAD v4.1: 1,043,810 of 1,613,730 alleles (65%); highest among the groups gnomAD compares: Admixed American, 76%; 338,948 homozygotes.

Submissions (7):

Labcorp Genetics (formerly Invitae), Labcorp
Classification: Benign for Combined deficiency of sialidase AND beta galactosidase. Last evaluated: 2026-02-04. Review status: criteria provided, single submitter. Criteria: Invitae Variant Classification Sherloc (09022015). Collection method: clinical testing. Allele origin: germline.

Genome-Nilou Lab
Classification: Benign for Combined deficiency of sialidase AND beta galactosidase. Last evaluated: 2021-07-30. Review status: criteria provided, single submitter. Criteria: ACMG Guidelines, 2015. Collection method: clinical testing. Allele origin: germline. Affected: no.

GeneDx
Classification: Benign. Last evaluated: 2018-06-19. Review status: criteria provided, single submitter. Criteria: GeneDx Variant Classification (06012015). Collection method: clinical testing. Allele origin: germline. Affected: yes.
Comment: This variant is considered likely benign or benign based on one or more of the following criteria: it is a conservative change, it occurs at a poorly conserved position in the protein, it is predicted to be benign by multiple in silico algorithms, and/or has population frequency not consistent with disease.

Illumina Laboratory Services, Illumina
Classification: Benign for Combined deficiency of sialidase AND beta galactosidase. Last evaluated: 2018-01-13. Review status: criteria provided, single submitter. Criteria: ICSL Variant Classification Criteria 13 December 2019. Collection method: clinical testing. Allele origin: germline.
Comment: This variant was observed in the ICSL laboratory as part of a predisposition screen in an ostensibly healthy population. It had not been previously curated by ICSL or reported in the Human Gene Mutation Database (HGMD: prior to June 1st, 2018), and was therefore a candidate for classification through an automated scoring system. Utilizing variant allele frequency, disease prevalence and penetrance estimates, and inheritance mode, an automated score was calculated to assess if this variant is too frequent to cause the disease. Based on the score and internal cut-off values, a variant classified as benign is not then subjected to further curation. The score for this variant resulted in a classification of benign for this disease.

Laboratory for Molecular Medicine, Mass General Brigham Personalized Medicine
Classification: Benign. Last evaluated: 2016-03-28. Review status: criteria provided, single submitter. Criteria: LMM Criteria. Collection method: clinical testing. Allele origin: germline.
Comment: Variant identified in a genome or exome case(s) and assessed due to predicted null impact of the variant or pathogenic assertions in the literature or databases. Disclaimer: This variant has not undergone full assessment. The following are preliminary notes: 66% of total chromosomes in ExAC

Breakthrough Genomics
Classification: Benign. Review status: criteria provided, single submitter. Criteria: ACMG Guidelines, 2015. Collection method: not provided. Allele origin: germline. Inheritance: Autosomal recessive inheritance. Affected: yes.

Mayo Clinic Laboratories, Mayo Clinic
Classification: Benign. Last evaluated: 2015-10-19. Review status: no assertion criteria provided. Collection method: clinical testing. Allele origin: unknown. Not counted in ClinVar's aggregate classification.

NM_000308.4(CTSA):c.948+7G>A

Gene: CTSA (cathepsin A; plus strand). Cytogenetic location: 20q13.12.
Variant type: single nucleotide variant.
Coding change: c.948+7G>A on transcript NM_000308.4 (MANE Select); 7 bases into the intron after coding-DNA position 948, G replaced by A.
Molecular consequence: intron variant.
Genome position (GRCh38, 1-based): chr20:45,894,908, G>A. VCF-style: chr20-45894908-G-A. GRCh37 (hg19) VCF-style: chr20-44523547-G-A.
Other names: c.948+7G>A (NM_001127695.3); c.897+7G>A (NM_001167594.3).
Identifiers: ClinVar variation 338535 (VCV000338535.25), dbSNP rs2075961, ClinGen allele CA9883205.